The following is an entry in ClinVar:

ClinVar aggregate classification (germline): Pathogenic (1 of 4 stars; one submission).

Conditions:
Hereditary breast ovarian cancer syndrome. Also called: Hereditary breast and ovarian cancer; Hereditary breast and/or ovarian cancer syndrome; Hereditary breast and ovarian cancer syndrome; Hereditary breast and ovarian cancer syndrome (HBOC); Breast and ovarian cancer; BRCA1- and BRCA2-Associated Hereditary Breast and Ovarian Cancer. Identifiers: Orphanet 145, MedGen C0677776, MeSH D061325, MONDO:0003582. Disease mechanism: loss of function.

Submission:

Labcorp Genetics (formerly Invitae), Labcorp
Classification: Pathogenic for Hereditary breast ovarian cancer syndrome. Last evaluated: 2019-08-10. Review status: criteria provided, single submitter. Criteria: Invitae Variant Classification Sherloc (09022015). Collection method: clinical testing. Allele origin: germline.
Comment: For these reasons, this variant has been classified as Pathogenic. Loss-of-function variants in BRCA2 are known to be pathogenic (PMID: 20104584). This variant has been observed in an individual affected with medulloblastoma (PMID: 29753700). This variant is not present in population databases (ExAC no frequency). This sequence change creates a premature translational stop signal (p.Pro2408Hisfs*61) in the BRCA2 gene. It is expected to result in an absent or disrupted protein product.

Literature cited by the submitters: PubMed 20104584; PubMed 29753700.

NM_000059.4(BRCA2):c.7220_7221inv (p.Val2407Glu)

Gene: BRCA2 (BRCA2 DNA repair associated; plus strand). Cytogenetic location: 13q13.1.
Variant type: Inversion.
Coding change: c.7220_7221inv on transcript NM_000059.4 (MANE Select).
Protein change: p.Val2407Glu; replaces valine 2407 with glutamic acid.
Molecular consequence: missense variant.
Genome position: GRCh38 VCF-style: chr13-32355073-TT-AA. GRCh37 (hg19) VCF-style: chr13-32929210-TT-AA.
Other names: short protein forms V2407E.
Identifiers: ClinVar variation 966654 (VCV000966654.6), ClinGen allele CA1139663169.